The following is an entry in ClinVar:

NM_006005.3(WFS1):c.2286G>A (p.Lys762=)

Gene: WFS1 (wolframin ER transmembrane glycoprotein; plus strand). Cytogenetic location: 4p16.1.
Variant type: single nucleotide variant.
Coding change: c.2286G>A on transcript NM_006005.3 (MANE Select); coding-DNA position 2286, G replaced by A.
Protein change: p.Lys762=; no amino-acid change (lysine 762 retained).
Molecular consequence: synonymous variant.
Genome position (GRCh38, 1-based): chr4:6,302,081, G>A. VCF-style: chr4-6302081-G-A. GRCh37 (hg19) VCF-style: chr4-6303808-G-A.
Other names: c.2286G>A, p.Lys762= (NM_001145853.1).
Identifiers: ClinVar variation 766808 (VCV000766808.11), dbSNP rs200663929, ClinGen allele CA2839672.

ClinVar aggregate classification (germline): Likely benign. Review status: criteria provided, multiple submitters, no conflicts (2 of 4 stars). 3 submissions from 3 submitters: Likely benign (3). Last evaluated 2025-10-03.

Conditions:
Wolfram syndrome 1 (WFS1). Identifiers: Orphanet 3463, MedGen C4551693, MONDO:0009101, OMIM 222300.
Cataract 41 (CTRCT41). Also called: CATARACT 41, CONGENITAL NUCLEAR TYPE. Identifiers: Orphanet 91492, Orphanet 98991, Orphanet 98992, Orphanet 98995, MedGen C3805412, MONDO:0007287, OMIM 116400.
Wolfram-like syndrome. Also called: HEARING LOSS, PROGRESSIVE, WITH OPTIC ATROPHY AND/OR IMPAIRED GLUCOSE REGULATION. Identifiers: Orphanet 411590, MedGen C3280358, MONDO:0013673, OMIM 614296.
Autosomal dominant nonsyndromic hearing loss 6 (LFSNHL). Also called: DEAFNESS, AUTOSOMAL DOMINANT 6; DEAFNESS, AUTOSOMAL DOMINANT 14; DEAFNESS, AUTOSOMAL DOMINANT 38; Autosomal dominant nonsyndromic deafness 6. Identifiers: Orphanet 90635, MedGen C1833021, MONDO:0010963, OMIM 600965.
Type 2 diabetes mellitus. Also called: Type II diabetes mellitus. Identifiers: MedGen C0011860, MeSH D003924, MONDO:0005148, OMIM 125853, HP:0005978.

Allele frequency attached by ClinVar (database versions not stated): ExAC 0.00001; gnomAD 0.00001; gnomAD exomes 0.00001; TOPMed 0.00002; 1000 Genomes Project 30x 0.00016; 1000 Genomes Project 0.00020.
gnomAD v4.1: 21 of 1,612,904 alleles (0.0013%); highest among the groups gnomAD compares: Admixed American, 0.01%; no homozygotes.

Submissions (3):

Labcorp Genetics (formerly Invitae), Labcorp
Classification: Likely benign. Last evaluated: 2025-10-03. Review status: criteria provided, single submitter. Criteria: Invitae Variant Classification Sherloc (09022015). Collection method: clinical testing. Allele origin: germline.

Fulgent Genetics
Classification: Likely benign for Cataract 41; Type 2 diabetes mellitus; Wolfram syndrome 1; Autosomal dominant nonsyndromic hearing loss 6; Wolfram-like syndrome. Last evaluated: 2022-03-29. Review status: criteria provided, single submitter. Criteria: ACMG Guidelines, 2015. Collection method: clinical testing. Allele origin: unknown.

Clinical Genomics, Uppaluri K&H Personalized Medicine Clinic
Classification: Likely benign for Wolfram syndrome 1. Review status: criteria provided, single submitter. Criteria: K & H Uppaluri Personalized Medicine Clinic Variant Classification & Assertion Criteria_Updated V.1. Collection method: research. Allele origin: unknown. Inheritance: Autosomal recessive inheritance.
Comment: Potent mutations in WFS1 gene are associated with Wolfram's syndrome, an autosomal recessive condition, which cause diabetes mellitus, diabetes insipidus, deafness and optic atrophy.However no sufficient evidence is found to ascertain the role of this particular variant rs200663929 in Wolfram's syndrome yet.

Literature cited by the submitters: PubMed 20738327 (cited by Clinical Genomics, Uppaluri K&H Personalized Medicine Clinic); PubMed 33879153 (cited by Clinical Genomics, Uppaluri K&H Personalized Medicine Clinic); PubMed 12955714 (cited by Clinical Genomics, Uppaluri K&H Personalized Medicine Clinic); PubMed 18060660 (cited by Clinical Genomics, Uppaluri K&H Personalized Medicine Clinic); PubMed 20301750 (cited by Clinical Genomics, Uppaluri K&H Personalized Medicine Clinic); PubMed 17603484 (cited by Clinical Genomics, Uppaluri K&H Personalized Medicine Clinic).